The following is an entry in ClinVar:

ClinVar aggregate classification (germline): Uncertain significance (1 of 4 stars; one submission).

Conditions:
Tuberous sclerosis 2 (TSC2). Identifiers: Orphanet 805, MedGen C1860707, MONDO:0013199, OMIM 613254.

Submission:

Labcorp Genetics (formerly Invitae), Labcorp
Classification: Uncertain significance for Tuberous sclerosis 2. Last evaluated: 2024-08-06. Review status: criteria provided, single submitter. Criteria: Invitae Variant Classification Sherloc (09022015). Collection method: clinical testing. Allele origin: germline.
Comment: This sequence change replaces lysine, which is basic and polar, with arginine, which is basic and polar, at codon 506 of the TSC2 protein (p.Lys506Arg). This variant is not present in population databases (gnomAD no frequency). This variant has not been reported in the literature in individuals affected with TSC2-related conditions. Advanced modeling of protein sequence and biophysical properties (such as structural, functional, and spatial information, amino acid conservation, physicochemical variation, residue mobility, and thermodynamic stability) performed at Invitae indicates that this missense variant is not expected to disrupt TSC2 protein function with a negative predictive value of 95%. In summary, the available evidence is currently insufficient to determine the role of this variant in disease. Therefore, it has been classified as a Variant of Uncertain Significance.

NM_000548.5(TSC2):c.1517A>G (p.Lys506Arg)

Gene: TSC2 (TSC complex subunit 2; plus strand). Cytogenetic location: 16p13.3.
Variant type: single nucleotide variant.
Coding change: c.1517A>G on transcript NM_000548.5 (MANE Select); coding-DNA position 1517, A replaced by G.
Protein change: p.Lys506Arg; replaces lysine 506 with arginine.
Molecular consequence: missense variant. On other transcripts: 5 prime UTR variant (1), non-coding transcript variant (5).
Genome position (GRCh38, 1-based): chr16:2,064,345, A>G. VCF-style: chr16-2064345-A-G. GRCh37 (hg19) VCF-style: chr16-2114346-A-G.
Other names: c.1517A>G, p.Lys506Arg (NM_001077183.3, NM_001114382.3, NM_001363528.2 and 6 more transcripts); c.1406A>G, p.Lys469Arg (NM_001318827.2, NM_001406670.1, NM_001406678.1); c.1370A>G, p.Lys457Arg (NM_001318829.2, NM_001406675.1, NM_001406676.1 and 1 more transcripts); c.917A>G, p.Lys306Arg (NM_001318831.2, NM_001406680.1, NM_001406682.1 and 6 more transcripts); c.1550A>G, p.Lys517Arg (NM_001318832.2); c.1055A>G, p.Lys352Arg (NM_001406681.1); c.173A>G, p.Lys58Arg (NM_001406689.1, NM_001406690.1, NM_001406691.1 and 6 more transcripts); c.-86A>G (NM_001406698.1); and 3 more; short protein forms K306R, K506R, K517R, K536R, K457R, K352R, K469R, K502R.
Identifiers: ClinVar variation 2796531 (VCV002796531.3), dbSNP rs2548571150, ClinGen allele CA394326185.